The following is an entry in ClinVar:

ClinVar aggregate classification (germline): Uncertain significance. Review status: criteria provided, multiple submitters, no conflicts (2 of 4 stars). 2 submissions from 2 submitters: Uncertain significance (2). Last evaluated 2024-10-11.

Conditions:
Inborn genetic diseases. Identifiers: MedGen C0950123, MeSH D030342.

Allele frequency attached by ClinVar (database versions not stated): ExAC 0.00002; gnomAD 0.00013; 1000 Genomes Project 30x 0.00016; ESP Exome Variant Server 0.00017; 1000 Genomes Project 0.00020; TOPMed 0.00027.
gnomAD v4.1: 46 of 1,613,880 alleles (0.0029%); highest among the groups gnomAD compares: Admixed American, 0.037%; no homozygotes.

Submissions (2):

Ambry Genetics
Classification: Uncertain significance for Inborn genetic diseases. Last evaluated: 2024-10-11. Review status: criteria provided, single submitter. Criteria: Ambry Variant Classification Scheme 2023. Collection method: clinical testing. Allele origin: germline.

Labcorp Genetics (formerly Invitae), Labcorp
Classification: Uncertain significance. Last evaluated: 2022-08-20. Review status: criteria provided, single submitter. Criteria: Invitae Variant Classification Sherloc (09022015). Collection method: clinical testing. Allele origin: germline.
Comment: This sequence change replaces alanine, which is neutral and non-polar, with valine, which is neutral and non-polar, at codon 1319 of the DOCK6 protein (p.Ala1319Val). This variant is present in population databases (rs200080349, gnomAD 0.009%). This variant has not been reported in the literature in individuals affected with DOCK6-related conditions. Algorithms developed to predict the effect of missense changes on protein structure and function (SIFT, PolyPhen-2, Align-GVGD) all suggest that this variant is likely to be tolerated. Algorithms developed to predict the effect of sequence changes on RNA splicing suggest that this variant may create or strengthen a splice site. In summary, the available evidence is currently insufficient to determine the role of this variant in disease. Therefore, it has been classified as a Variant of Uncertain Significance.

NM_020812.4(DOCK6):c.3956C>T (p.Ala1319Val)

Genes: DOCK6 (dedicator of cytokinesis 6; minus strand), DOCK6-AS1 (DOCK6 antisense RNA 1; plus strand). Cytogenetic location: 19p13.2.
Variant type: single nucleotide variant.
Coding change: c.3956C>T on transcript NM_020812.4 (MANE Select); coding-DNA position 3956, C replaced by T.
Protein change: p.Ala1319Val; replaces alanine 1319 with valine.
Molecular consequence: missense variant.
Genome position (GRCh38, 1-based): chr19:11,215,866, G>A on the plus strand (C>T on the coding strand, the complement: DOCK6 is on the minus strand). VCF-style: chr19-11215866-G-A. GRCh37 (hg19) VCF-style: chr19-11326542-G-A.
Other names: c.4061C>T, p.Ala1354Val (NM_001367830.1); c.3956C>T (NM_020812.2); short protein forms A1319V, A1354V.
Identifiers: ClinVar variation 2154198 (VCV002154198.3), dbSNP rs200080349, ClinGen allele CA9207057.